The following is an entry in ClinVar:

ClinVar aggregate classification (germline): Uncertain significance (1 of 4 stars; one submission).

Conditions:
Cardiovascular phenotype. Identifiers: MedGen CN230736.

Submission:

Ambry Genetics
Classification: Uncertain significance for Cardiovascular phenotype. Last evaluated: 2025-12-11. Review status: criteria provided, single submitter. Criteria: Ambry Variant Classification Scheme 2023. Collection method: clinical testing. Allele origin: germline.
Comment: The p.D52G variant (also known as c.155A>G), located in coding exon 1 of the CBL gene, results from an A to G substitution at nucleotide position 155. The aspartic acid at codon 52 is replaced by glycine, an amino acid with similar properties. This amino acid position is conserved. In addition, the in silico prediction for this alteration is inconclusive. Based on the available evidence, the clinical significance of this variant remains unclear.

NM_005188.4(CBL):c.155A>G (p.Asp52Gly)

Genes: CBL (Cbl proto-oncogene; plus strand), LOC130006895 (ATAC-STARR-seq lymphoblastoid silent region 3975; plus strand). Cytogenetic location: 11q23.3.
Variant type: single nucleotide variant.
Coding change: c.155A>G on transcript NM_005188.4 (MANE Select); coding-DNA position 155, A replaced by G.
Protein change: p.Asp52Gly; replaces aspartic acid 52 with glycine.
Molecular consequence: missense variant.
Genome position (GRCh38, 1-based): chr11:119,206,572, A>G. VCF-style: chr11-119206572-A-G. GRCh37 (hg19) VCF-style: chr11-119077282-A-G.
Other names: short protein forms D52G.
Identifiers: ClinVar variation 4613899 (VCV004613899.1).